The following is an entry in ClinVar:

ClinVar aggregate classification (germline): Likely pathogenic (1 of 4 stars; one submission).

Conditions:
Argininosuccinate lyase deficiency. Also called: ARGININOSUCCINIC ACID LYASE DEFICIENCY; ASL DEFICIENCY; Argininosuccinic aciduria. Identifiers: Orphanet 23, MedGen C0268547, MONDO:0008815, OMIM 207900, HP:0025630.

Submission:

Labcorp Genetics (formerly Invitae), Labcorp
Classification: Likely pathogenic for Argininosuccinate lyase deficiency. Last evaluated: 2019-02-19. Review status: criteria provided, single submitter. Criteria: Invitae Variant Classification Sherloc (09022015). Collection method: clinical testing. Allele origin: germline.
Comment: In summary, the currently available evidence indicates that the variant is pathogenic, but additional data are needed to prove that conclusively. Therefore, this variant has been classified as Likely Pathogenic. Donor and acceptor splice site variants typically lead to a loss of protein function (PMID: 16199547), and loss-of-function variants in ASL are known to be pathogenic (PMID: 2263616, 24166829). This variant has not been reported in the literature in individuals with ASL-related conditions. This variant is not present in population databases (ExAC no frequency). This sequence change affects an acceptor splice site in intron 12 of the ASL gene. It is expected to disrupt RNA splicing and likely results in an absent or disrupted protein product.

Literature cited by the submitters: PubMed 16199547; PubMed 2263616; PubMed 24166829.

NM_000048.4(ASL):c.919-1G>A

Gene: ASL (argininosuccinate lyase; plus strand). Cytogenetic location: 7q11.21.
Variant type: single nucleotide variant.
Coding change: c.919-1G>A on transcript NM_000048.4 (MANE Select); the canonical splice acceptor site of the intron before coding-DNA position 919, G replaced by A.
Molecular consequence: splice acceptor variant. On other transcripts: intron variant (1).
Genome position (GRCh38, 1-based): chr7:66,089,275, G>A. VCF-style: chr7-66089275-G-A. GRCh37 (hg19) VCF-style: chr7-65554262-G-A.
Other names: c.919-1G>A (NM_001024943.2); c.918+100G>A (NM_001024944.2); c.841-1G>A (NM_001024946.2).
Identifiers: ClinVar variation 841994 (VCV000841994.8), dbSNP rs1786770612, ClinGen allele CA367646067.